The following is an entry in ClinVar:

ClinVar aggregate classification (germline): Uncertain significance (1 of 4 stars; one submission).

gnomAD v4.1: 1 of 1,614,168 alleles (0.000062%); highest among the groups gnomAD compares: Admixed American, 0.0017%; no homozygotes.

Submission:

Labcorp Genetics (formerly Invitae), Labcorp
Classification: Uncertain significance. Last evaluated: 2026-01-03. Review status: criteria provided, single submitter. Criteria: Invitae Variant Classification Sherloc (09022015). Collection method: clinical testing. Allele origin: germline.
Comment: This sequence change falls in intron 26 of the ARHGEF10 gene. It does not directly change the encoded amino acid sequence of the ARHGEF10 protein. It affects a nucleotide within the consensus splice site. This variant is present in population databases (rs761990265, gnomAD 0.003%). This variant has not been reported in the literature in individuals affected with ARHGEF10-related conditions. Variants that disrupt the consensus splice site are a relatively common cause of aberrant splicing (PMID: 17576681, 9536098). Algorithms developed to predict the effect of sequence changes on RNA splicing suggest that this variant is not likely to affect RNA splicing. In summary, the available evidence is currently insufficient to determine the role of this variant in disease. Therefore, it has been classified as a Variant of Uncertain Significance.

Literature cited by the submitters: PubMed 17576681; PubMed 9536098.

NM_014629.4(ARHGEF10):c.3222+5G>A

Gene: ARHGEF10 (Rho guanine nucleotide exchange factor 10; plus strand). Cytogenetic location: 8p23.3.
Variant type: single nucleotide variant.
Coding change: c.3222+5G>A on transcript NM_014629.4 (MANE Select); 5 bases into the intron after coding-DNA position 3222, G replaced by A.
Molecular consequence: intron variant.
Genome position (GRCh38, 1-based): chr8:1,933,947, G>A. VCF-style: chr8-1933947-G-A. GRCh37 (hg19) VCF-style: chr8-1882113-G-A.
Other names: c.3105+5G>A (NM_001438092.1, NM_001438093.1); c.3225+5G>A (NM_001438091.1); c.3108+5G>A (NM_001308152.2, NM_001438094.1); c.3222+5G>A (NM_001308153.3).
Identifiers: ClinVar variation 4703273 (VCV004703273.1).